The following is an entry in ClinVar:

ClinVar aggregate classification (germline): Pathogenic. Review status: criteria provided, single submitter (1 of 4 stars). 2 submissions from 1 submitter: Pathogenic (2). Last evaluated 2022-11-29.

Conditions:
Intellectual developmental disorder, autosomal dominant 57. Also called: MENTAL RETARDATION, AUTOSOMAL DOMINANT 57; Intellectual disability, autosomal dominant 57. Identifiers: MedGen C4748003, MONDO:0054837, OMIM 618050.

Submissions (2):

Laboratory of Medical Genetics, University of Torino
Classification: Pathogenic for Intellectual developmental disorder, autosomal dominant 57. Last evaluated: 2022-11-29. Review status: criteria provided, single submitter. Criteria: ACMG Guidelines, 2015. Collection method: research. Allele origin: germline. Affected: yes. Study: NeuroWES.

Laboratory of Medical Genetics, University of Torino
Classification: Pathogenic for Intellectual developmental disorder, autosomal dominant 57. Last evaluated: 2020-09-24. Review status: criteria provided, single submitter. Criteria: ACMG Guidelines, 2015. Collection method: research. Allele origin: maternal. Inheritance: Autosomal dominant inheritance. Affected: yes. Observed: 1 heterozygote.
Comment: Phenotype included intellectual disability, microcephaly and minor skeletal anomalies.

NM_006852.6(TLK2):c.1357G>T (p.Glu453Ter)

Gene: TLK2 (tousled like kinase 2; plus strand). Cytogenetic location: 17q23.2.
Variant type: single nucleotide variant.
Coding change: c.1357G>T on transcript NM_006852.6 (MANE Select); coding-DNA position 1357, G replaced by T.
Protein change: p.Glu453Ter; replaces glutamic acid 453 with a stop codon.
Molecular consequence: nonsense.
Genome position (GRCh38, 1-based): chr17:62,580,181, G>T. VCF-style: chr17-62580181-G-T. GRCh37 (hg19) VCF-style: chr17-60657542-G-T.
Other names: c.1423G>T, p.Glu475Ter (NM_001284333.3); c.1261G>T, p.Glu421Ter (NM_001284363.1, NM_001375272.1); c.910G>T, p.Glu304Ter (NM_001330418.3, NM_001375273.1); c.1399G>T, p.Glu467Ter (NM_001375269.1); c.1357G>T, p.Glu453Ter (NM_001375270.1, NM_001375271.1); short protein forms E304*, E421*, E453*, E467*, E475*.
Identifiers: ClinVar variation 978814 (VCV000978814.4), dbSNP rs2081105269, ClinGen allele CA400504461.